The following is an entry in ClinVar:

ClinVar aggregate classification (germline): Uncertain significance (1 of 4 stars; one submission).

Conditions:
Familial sleep-related hypermotor epilepsy. Also called: Autosomal Dominant Sleep-Related Hypermotor (Hyperkinetic) Epilepsy. Identifiers: Orphanet 98784, MedGen C3696898, MONDO:0000030.

Submission:

Labcorp Genetics (formerly Invitae), Labcorp
Classification: Uncertain significance. Last evaluated: 2022-04-10. Review status: criteria provided, single submitter. Criteria: Invitae Variant Classification Sherloc (09022015). Collection method: clinical testing. Allele origin: germline.
Comment: This sequence change replaces proline, which is neutral and non-polar, with leucine, which is neutral and non-polar, at codon 115 of the CHRNB2 protein (p.Pro115Leu). This variant is not present in population databases (gnomAD no frequency). This variant has not been reported in the literature in individuals affected with CHRNB2-related conditions. Advanced modeling of protein sequence and biophysical properties (such as structural, functional, and spatial information, amino acid conservation, physicochemical variation, residue mobility, and thermodynamic stability) performed at Invitae indicates that this missense variant is expected to disrupt CHRNB2 protein function. In summary, the available evidence is currently insufficient to determine the role of this variant in disease. Therefore, it has been classified as a Variant of Uncertain Significance.

NM_000748.3(CHRNB2):c.344C>T (p.Pro115Leu)

Gene: CHRNB2 (cholinergic receptor nicotinic beta 2 subunit; plus strand). Cytogenetic location: 1q21.3.
Variant type: single nucleotide variant.
Coding change: c.344C>T on transcript NM_000748.3 (MANE Select); coding-DNA position 344, C replaced by T.
Protein change: p.Pro115Leu; replaces proline 115 with leucine.
Molecular consequence: missense variant.
Genome position (GRCh38, 1-based): chr1:154,570,346, C>T. VCF-style: chr1-154570346-C-T. GRCh37 (hg19) VCF-style: chr1-154542822-C-T.
Other names: short protein forms P115L.
Identifiers: ClinVar variation 1394598 (VCV001394598.6), dbSNP rs2101519039, ClinGen allele CA342629807.